The following is an entry in ClinVar:

NM_004304.5(ALK):c.4742A>C (p.Asn1581Thr)

Gene: ALK (ALK receptor tyrosine kinase; minus strand). Cytogenetic location: 2p23.2.
Variant type: single nucleotide variant.
Coding change: c.4742A>C on transcript NM_004304.5 (MANE Select); coding-DNA position 4742, A replaced by C.
Protein change: p.Asn1581Thr; replaces asparagine 1581 with threonine.
Molecular consequence: missense variant.
Genome position (GRCh38, 1-based): chr2:29,193,345, T>G on the plus strand (A>C on the coding strand, the complement: ALK is on the minus strand). VCF-style: chr2-29193345-T-G. GRCh37 (hg19) VCF-style: chr2-29416211-T-G.
Other names: c.4742A>C (NM_004304.4); c.1538A>C, p.Asn513Thr (NM_001353765.2); short protein forms N1581T, N513T.
Identifiers: ClinVar variation 1515776 (VCV001515776.9), dbSNP rs1668924453, ClinGen allele CA346460344.

ClinVar aggregate classification (germline): Uncertain significance. Review status: criteria provided, multiple submitters, no conflicts (2 of 4 stars). 2 submissions from 2 submitters: Uncertain significance (2). Last evaluated 2025-07-09.

Conditions:
Hereditary cancer-predisposing syndrome. Also called: Neoplastic Syndromes, Hereditary; Hereditary Cancer Syndrome; Tumor predisposition; Hereditary neoplastic syndrome. Identifiers: Orphanet 140162, MedGen C0027672, MeSH D009386, MONDO:0015356.
Neuroblastoma, susceptibility to, 3. Also called: ALK-Related Neuroblastic Tumor Susceptibility. Identifiers: Orphanet 635, MedGen C2751681, MONDO:0013083, OMIM 613014.

Submissions (2):

Ambry Genetics
Classification: Uncertain significance for Hereditary cancer-predisposing syndrome. Last evaluated: 2025-07-09. Review status: criteria provided, single submitter. Criteria: Ambry Variant Classification Scheme 2023. Collection method: clinical testing. Allele origin: germline.
Comment: The p.N1581T variant (also known as c.4742A>C), located in coding exon 29 of the ALK gene, results from an A to C substitution at nucleotide position 4742. The asparagine at codon 1581 is replaced by threonine, an amino acid with similar properties. This amino acid position is conserved. In addition, this alteration is predicted to be tolerated by in silico analysis. Based on the available evidence, the clinical significance of this variant remains unclear.

Labcorp Genetics (formerly Invitae), Labcorp
Classification: Uncertain significance for Neuroblastoma, susceptibility to, 3. Last evaluated: 2022-08-16. Review status: criteria provided, single submitter. Criteria: Invitae Variant Classification Sherloc (09022015). Collection method: clinical testing. Allele origin: germline.
Comment: In summary, the available evidence is currently insufficient to determine the role of this variant in disease. Therefore, it has been classified as a Variant of Uncertain Significance. This sequence change replaces asparagine, which is neutral and polar, with threonine, which is neutral and polar, at codon 1581 of the ALK protein (p.Asn1581Thr). This variant is not present in population databases (gnomAD no frequency). This variant has not been reported in the literature in individuals affected with ALK-related conditions. ClinVar contains an entry for this variant (Variation ID: 1515776). Algorithms developed to predict the effect of missense changes on protein structure and function output the following: SIFT: "Tolerated"; PolyPhen-2: "Benign"; Align-GVGD: "Class C0". The threonine amino acid residue is found in multiple mammalian species, which suggests that this missense change does not adversely affect protein function.